The following is an entry in ClinVar:

ClinVar aggregate classification (germline): Uncertain significance (1 of 4 stars; one submission).

Allele frequency attached by ClinVar (database versions not stated): gnomAD exomes 0.00001.
gnomAD v4.1: 10 of 1,614,122 alleles (0.00062%); highest among the groups gnomAD compares: Middle Eastern, 0.016%; no homozygotes.

Submission:

Labcorp Genetics (formerly Invitae), Labcorp
Classification: Uncertain significance. Last evaluated: 2025-01-27. Review status: criteria provided, single submitter. Criteria: Invitae Variant Classification Sherloc (09022015). Collection method: clinical testing. Allele origin: germline.
Comment: This sequence change replaces alanine, which is neutral and non-polar, with valine, which is neutral and non-polar, at codon 266 of the OPN1SW protein (p.Ala266Val). This variant is present in population databases (no rsID available, gnomAD 0.0009%). This variant has not been reported in the literature in individuals affected with OPN1SW-related conditions. ClinVar contains an entry for this variant (Variation ID: 1969338). An algorithm developed to predict the effect of missense changes on protein structure and function (PolyPhen-2) suggests that this variant is likely to be disruptive. In summary, the available evidence is currently insufficient to determine the role of this variant in disease. Therefore, it has been classified as a Variant of Uncertain Significance.

NM_001385125.1(OPN1SW):c.788C>T (p.Ala263Val)

Gene: OPN1SW (opsin 1, short wave sensitive; minus strand). Cytogenetic location: 7q32.1.
Variant type: single nucleotide variant.
Coding change: c.788C>T on transcript NM_001385125.1 (MANE Select); coding-DNA position 788, C replaced by T.
Protein change: p.Ala263Val; replaces alanine 263 with valine.
Molecular consequence: missense variant.
Genome position (GRCh38, 1-based): chr7:128,773,779, G>A on the plus strand (C>T on the coding strand, the complement: OPN1SW is on the minus strand). VCF-style: chr7-128773779-G-A. GRCh37 (hg19) VCF-style: chr7-128413833-G-A.
Other names: short protein forms A263V.
Identifiers: ClinVar variation 1969338 (VCV001969338.5), dbSNP rs1274758179, ClinGen allele CA369217823.
Genomic context (GRCh38, chr7:128,773,779, plus strand): 5'-GTGACAAGCCGTAAGTCCAGCCCATGGTTACGGTTGTTGACCATGTACATGGCGAAGGCC[G>A]CGTAGGGCACGTAGCAGACACAGAAGGATCCTACCATCACAACCACCATGCGGCTCACCT-3'
Protein context (NP_001372054.1, residues 253-273): GSFCVCYVPY[Ala263Val]AFAMYMVNNR